The following is an entry in ClinVar:

ClinVar aggregate classification (germline): Uncertain significance. Review status: criteria provided, multiple submitters, no conflicts (2 of 4 stars). 2 submissions from 2 submitters: Uncertain significance (2). Last evaluated 2025-03-28.

Conditions:
Hereditary cancer-predisposing syndrome. Also called: Neoplastic Syndromes, Hereditary; Hereditary Cancer Syndrome; Tumor predisposition; Hereditary neoplastic syndrome. Identifiers: Orphanet 140162, MedGen C0027672, MeSH D009386, MONDO:0015356.
Familial cancer of breast. Also called: hereditary breast carcinoma; Hereditary breast cancer; BREAST CANCER, FAMILIAL. Identifiers: Orphanet 227535, MedGen C0346153, MONDO:0016419, OMIM 114480. Disease mechanism: loss of function.

Allele frequency attached by ClinVar (database versions not stated): TOPMed below 0.00001.

Submissions (2):

Ambry Genetics
Classification: Uncertain significance for Hereditary cancer-predisposing syndrome. Last evaluated: 2025-03-28. Review status: criteria provided, single submitter. Criteria: Ambry Variant Classification Scheme 2023. Collection method: clinical testing. Allele origin: germline.
Comment: The p.I538M variant (also known as c.1614T>G), located in coding exon 4 of the PALB2 gene, results from a T to G substitution at nucleotide position 1614. The isoleucine at codon 538 is replaced by methionine, an amino acid with highly similar properties. This amino acid position is conserved. In addition, this alteration is predicted to be tolerated by in silico analysis. Since supporting evidence is limited at this time, the clinical significance of this alteration remains unclear.

Labcorp Genetics (formerly Invitae), Labcorp
Classification: Uncertain significance for Familial cancer of breast. Last evaluated: 2020-04-20. Review status: criteria provided, single submitter. Criteria: Invitae Variant Classification Sherloc (09022015). Collection method: clinical testing. Allele origin: germline.
Comment: In summary, the available evidence is currently insufficient to determine the role of this variant in disease. Therefore, it has been classified as a Variant of Uncertain Significance. This variant is not present in population databases (ExAC no frequency). This variant has not been reported in the literature in individuals with PALB2-related conditions. Algorithms developed to predict the effect of missense changes on protein structure and function (SIFT, PolyPhen-2, Align-GVGD) all suggest that this variant is likely to be tolerated, but these predictions have not been confirmed by published functional studies and their clinical significance is uncertain. This sequence change replaces isoleucine with methionine at codon 538 of the PALB2 protein (p.Ile538Met). The isoleucine residue is weakly conserved and there is a small physicochemical difference between isoleucine and methionine.

NM_024675.4(PALB2):c.1614T>G (p.Ile538Met)

Gene: PALB2 (partner and localizer of BRCA2; minus strand). Cytogenetic location: 16p12.2.
Variant type: single nucleotide variant.
Coding change: c.1614T>G on transcript NM_024675.4 (MANE Select); coding-DNA position 1614, T replaced by G.
Protein change: p.Ile538Met; replaces isoleucine 538 with methionine.
Molecular consequence: missense variant.
Genome position (GRCh38, 1-based): chr16:23,634,932, A>C on the plus strand (T>G on the coding strand, the complement: PALB2 is on the minus strand). VCF-style: chr16-23634932-A-C. GRCh37 (hg19) VCF-style: chr16-23646253-A-C.
Other names: short protein forms I538M.
Identifiers: ClinVar variation 1038784 (VCV001038784.13), dbSNP rs1060504713, ClinGen allele CA395130425.